The following is an entry in ClinVar:

ClinVar aggregate classification (germline): Pathogenic (1 of 4 stars; one submission).

Conditions:
Seizures, benign familial infantile, 3 (BFIS3). Also called: CONVULSIONS, BENIGN FAMILIAL INFANTILE, 3; Familial neonatal seizures. Identifiers: Orphanet 140927, Orphanet 306, MedGen C1843140, MONDO:0011904, OMIM 607745.
Developmental and epileptic encephalopathy, 11 (DEE11). Also called: Early infantile epileptic encephalopathy 11. Identifiers: Orphanet 1934, MedGen C3150987, MONDO:0013388, OMIM 613721.

Submission:

Labcorp Genetics (formerly Invitae), Labcorp
Classification: Pathogenic for Seizures, benign familial infantile, 3; Developmental and epileptic encephalopathy, 11. Last evaluated: 2023-02-01. Review status: criteria provided, single submitter. Criteria: Invitae Variant Classification Sherloc (09022015). Collection method: clinical testing. Allele origin: germline.
Comment: This sequence change creates a premature translational stop signal (p.Phe1525Leufs*4) in the SCN2A gene. It is expected to result in an absent or disrupted protein product. Loss-of-function variants in SCN2A are known to be pathogenic (PMID: 28379373). This variant is not present in population databases (gnomAD no frequency). This variant has not been reported in the literature in individuals affected with SCN2A-related conditions. For these reasons, this variant has been classified as Pathogenic.

Literature cited by the submitters: PubMed 28379373.

NM_001040142.2(SCN2A):c.4575del (p.Phe1525fs)

Gene: SCN2A (sodium voltage-gated channel alpha subunit 2; plus strand). Cytogenetic location: 2q24.3.
Variant type: Deletion.
Coding change: c.4575del on transcript NM_001040142.2 (MANE Select); coding-DNA position 4575, one base deleted (T; older notation c.4575delT).
Protein change: p.Phe1525fs; shifts the reading frame from phenylalanine 1525.
Molecular consequence: frameshift variant.
Genome position (GRCh38, 1-based): chr2:165,386,769, T deleted; the last of 3 consecutive T bases (chr2:165,386,767-165,386,769); deleting any one gives the same sequence. VCF-style (leftmost placement, unchanged base first): chr2-165386766-CT-C. GRCh37 (hg19) VCF-style: chr2-166243276-CT-C.
Other names: c.4575del, p.Phe1525fs (NM_001040143.2, NM_001371246.1, NM_001371247.1 and 1 more transcripts); short protein forms F1525fs.
Identifiers: ClinVar variation 2943845 (VCV002943845.3), dbSNP rs2468149360, ClinGen allele CA2740095822.